The following is an entry in ClinVar:

ClinVar aggregate classification (germline): Uncertain significance (1 of 4 stars; one submission).

Conditions:
Hereditary spastic paraplegia 3A (SPG3A). Also called: SPASTIC PARAPLEGIA 3, AUTOSOMAL DOMINANT; FAMILIAL SPASTIC PARAPLEGIA, AUTOSOMAL DOMINANT, 1; SPG3; STRUMPELL DISEASE; Spastic Paraplegia 3A; Spastic paraplegia 3A, autosomal dominant. Identifiers: Orphanet 100984, MedGen C2931355, MONDO:0008437, OMIM 182600.

Submission:

Labcorp Genetics (formerly Invitae), Labcorp
Classification: Uncertain significance for Hereditary spastic paraplegia 3A. Last evaluated: 2025-06-29. Review status: criteria provided, single submitter. Criteria: Invitae Variant Classification Sherloc (09022015). Collection method: clinical testing. Allele origin: germline.
Comment: This sequence change replaces isoleucine, which is neutral and non-polar, with valine, which is neutral and non-polar, at codon 315 of the ATL1 protein (p.Ile315Val). This variant is not present in population databases (gnomAD no frequency). This variant has not been reported in the literature in individuals affected with ATL1-related conditions. Invitae Evidence Modeling of protein sequence and biophysical properties (such as structural, functional, and spatial information, amino acid conservation, physicochemical variation, residue mobility, and thermodynamic stability) has been performed for this missense variant. However, the output from this modeling did not meet the statistical confidence thresholds required to predict the impact of this variant on ATL1 protein function. In summary, the available evidence is currently insufficient to determine the role of this variant in disease. Therefore, it has been classified as a Variant of Uncertain Significance.

NM_015915.5(ATL1):c.943A>G (p.Ile315Val)

Gene: ATL1 (atlastin GTPase 1; plus strand). Cytogenetic location: 14q22.1.
Variant type: single nucleotide variant.
Coding change: c.943A>G on transcript NM_015915.5 (MANE Select); coding-DNA position 943, A replaced by G.
Protein change: p.Ile315Val; replaces isoleucine 315 with valine.
Molecular consequence: missense variant.
Genome position (GRCh38, 1-based): chr14:50,620,679, A>G. VCF-style: chr14-50620679-A-G. GRCh37 (hg19) VCF-style: chr14-51087397-A-G.
Other names: c.943A>G, p.Ile315Val (NM_001127713.1, NM_181598.4); short protein forms I315V.
Identifiers: ClinVar variation 4765629 (VCV004765629.1).
Genomic context (GRCh38, chr14:50,620,679, plus strand): 5'-AAAAACTTGAAAATACTGATTCCTTGGCTACTTAGTCCCGAGAGCCTAGATATTAAAGAG[A>G]TCAATGGGAATAAAATCACCTGCCGGGGTCTGGTGGAGTACTTCAAGGTATCACTCTCAT-3'
Protein context (NP_056999.2, residues 305-325): LSPESLDIKE[Ile315Val]NGNKITCRGL